The following is an entry in ClinVar:

NM_138982.4(MAPK10):c.960G>A (p.Ala320=)

Gene: MAPK10 (mitogen-activated protein kinase 10; minus strand). Cytogenetic location: 4q21.3.
Variant type: single nucleotide variant.
Coding change: c.960G>A on transcript NM_138982.4 (MANE Select); coding-DNA position 960, G replaced by A.
Protein change: p.Ala320=; no amino-acid change (alanine 320 retained).
Molecular consequence: synonymous variant.
Genome position (GRCh38, 1-based): chr4:86,067,798, C>T on the plus strand (G>A on the coding strand, the complement: MAPK10 is on the minus strand). VCF-style: chr4-86067798-C-T. GRCh37 (hg19) VCF-style: chr4-86988951-C-T.
Other names: NC_000004.11:g.86988951C>T; c.960G>A, p.Ala320= (NM_001318067.1, NM_001318069.2, NM_002753.6); c.525G>A, p.Ala175= (NM_001318068.1); c.846G>A, p.Ala282= (NM_001351624.2, NM_001351625.3, NM_001363657.3 and 1 more transcripts).
Identifiers: ClinVar variation 129587 (VCV000129587.12), dbSNP rs55663953, ClinGen allele CA153668.

ClinVar aggregate classification (germline): Benign. Review status: criteria provided, multiple submitters, no conflicts (2 of 4 stars). 3 submissions from 3 submitters: Benign (2). 1 of the submissions does not count toward it. Last evaluated 2019-12-31.

Allele frequency attached by ClinVar (database versions not stated): ESP Exome Variant Server 0.00092; gnomAD 0.00350 and 0.00447; gnomAD exomes 0.00389 and 0.00800; TOPMed 0.00495; ExAC 0.00797; 1000 Genomes Project 30x 0.01874; 1000 Genomes Project 0.01957.
gnomAD v4.1: 6,475 of 1,612,814 alleles (0.4%); highest among the groups gnomAD compares: East Asian, 10%; 255 homozygotes.

Submissions (9):

Labcorp Genetics (formerly Invitae), Labcorp
Classification: Benign. Last evaluated: 2019-12-31. Review status: criteria provided, single submitter. Criteria: Invitae Variant Classification Sherloc (09022015). Collection method: clinical testing. Allele origin: germline.

Breakthrough Genomics
Classification: Benign. Review status: criteria provided, single submitter. Criteria: ACMG Guidelines, 2015. Collection method: not provided. Allele origin: germline. Inheritance: Unknown mechanism. Affected: yes.

Dr. Peter K. Rogan Lab, Western University
No classification provided (evidence only). Condition: Familial cancer of breast. Review status: no classification provided. Collection method: in vitro. Allele origin: not applicable. Functional consequence: retained intron. Not counted in ClinVar's aggregate classification.

Dr. Peter K. Rogan Lab, Western University
No classification provided (evidence only). Condition: Gastric cancer. Review status: no classification provided. Collection method: in vitro. Allele origin: not applicable. Functional consequence: retained intron. Not counted in ClinVar's aggregate classification.

Dr. Peter K. Rogan Lab, Western University
No classification provided (evidence only). Condition: Gastric cancer. Review status: no classification provided. Collection method: in vitro. Allele origin: not applicable. Functional consequence: retained intron. Not counted in ClinVar's aggregate classification.

Dr. Peter K. Rogan Lab, Western University
No classification provided (evidence only). Condition: Malignant tumor of esophagus. Review status: no classification provided. Collection method: in vitro. Allele origin: not applicable. Functional consequence: retained intron. Not counted in ClinVar's aggregate classification.

Dr. Peter K. Rogan Lab, Western University
No classification provided (evidence only). Condition: Malignant tumor of esophagus. Review status: no classification provided. Collection method: in vitro. Allele origin: not applicable. Functional consequence: retained intron. Not counted in ClinVar's aggregate classification.

Dr. Peter K. Rogan Lab, Western University
No classification provided (evidence only). Condition: Malignant tumor of esophagus. Review status: no classification provided. Collection method: in vitro. Allele origin: not applicable. Functional consequence: retained intron. Not counted in ClinVar's aggregate classification.

Genetic Services Laboratory, University of Chicago
Classification: Likely benign for AllHighlyPenetrant. Review status: no assertion criteria provided. Collection method: clinical testing. Allele origin: germline. Inheritance: Autosomal recessive inheritance. Not counted in ClinVar's aggregate classification.
Comment: Likely benign based on allele frequency in 1000 Genomes Project or ESP global frequency and its presence in a patient with a rare or unrelated disease phenotype. NOT Sanger confirmed.